The following is an entry in ClinVar:

ClinVar aggregate classification (germline): Uncertain significance (1 of 4 stars; one submission).

Submission:

Labcorp Genetics (formerly Invitae), Labcorp
Classification: Uncertain significance. Last evaluated: 2023-02-22. Review status: criteria provided, single submitter. Criteria: Invitae Variant Classification Sherloc (09022015). Collection method: clinical testing. Allele origin: germline.
Comment: This sequence change replaces glutamic acid, which is acidic and polar, with glycine, which is neutral and non-polar, at codon 1736 of the ALPK3 protein (p.Glu1736Gly). This variant is not present in population databases (gnomAD no frequency). This variant has not been reported in the literature in individuals affected with ALPK3-related conditions. An algorithm developed to predict the effect of missense changes on protein structure and function (PolyPhen-2) suggests that this variant is likely to be disruptive. In summary, the available evidence is currently insufficient to determine the role of this variant in disease. Therefore, it has been classified as a Variant of Uncertain Significance.

NM_020778.5(ALPK3):c.4601A>G (p.Glu1534Gly)

Gene: ALPK3 (alpha kinase 3; plus strand). Cytogenetic location: 15q25.3.
Variant type: single nucleotide variant.
Coding change: c.4601A>G on transcript NM_020778.5 (MANE Select); coding-DNA position 4601, A replaced by G.
Protein change: p.Glu1534Gly; replaces glutamic acid 1534 with glycine.
Molecular consequence: missense variant.
Genome position (GRCh38, 1-based): chr15:84,864,543, A>G. VCF-style: chr15-84864543-A-G. GRCh37 (hg19) VCF-style: chr15-85407774-A-G.
Other names: short protein forms E1534G.
Identifiers: ClinVar variation 2839764 (VCV002839764.3), dbSNP rs2505729706, ClinGen allele CA393365044.